The following is an entry in ClinVar:

ClinVar aggregate classification (germline): Uncertain significance (1 of 4 stars; one submission).

Conditions:
SLC35A2-congenital disorder of glycosylation. Also called: DEVELOPMENTAL AND EPILEPTIC ENCEPHALOPATHY 22; CONGENITAL DISORDER OF GLYCOSYLATION, TYPE IIm; CDG IIm; CONGENITAL DISORDER OF GLYCOSYLATION, TYPE IIm, SOMATIC MOSAIC; EPILEPTIC ENCEPHALOPATHY, EARLY INFANTILE, 22; SLC35A2-CDG. Identifiers: Orphanet 356961, MedGen C3806688, MONDO:0010478, OMIM 300896.

Allele frequency attached by ClinVar (database versions not stated): TOPMed below 0.00001; gnomAD 0.00001; gnomAD exomes 0.00001.

Submission:

Labcorp Genetics (formerly Invitae), Labcorp
Classification: Uncertain significance for SLC35A2-congenital disorder of glycosylation. Last evaluated: 2022-09-24. Review status: criteria provided, single submitter. Criteria: Invitae Variant Classification Sherloc (09022015). Collection method: clinical testing. Allele origin: germline.
Comment: In summary, the available evidence is currently insufficient to determine the role of this variant in disease. Therefore, it has been classified as a Variant of Uncertain Significance. Advanced modeling of protein sequence and biophysical properties (such as structural, functional, and spatial information, amino acid conservation, physicochemical variation, residue mobility, and thermodynamic stability) has been performed at Invitae for this missense variant, however the output from this modeling did not meet the statistical confidence thresholds required to predict the impact of this variant on SLC35A2 protein function. This variant has not been reported in the literature in individuals affected with SLC35A2-related conditions. This variant is present in population databases (no rsID available, gnomAD 0.001%). This sequence change replaces isoleucine, which is neutral and non-polar, with threonine, which is neutral and polar, at codon 313 of the SLC35A2 protein (p.Ile313Thr).

NM_005660.3(SLC35A2):c.938T>C (p.Ile313Thr)

Gene: SLC35A2 (solute carrier family 35 member A2; minus strand). Cytogenetic location: Xp11.23.
Variant type: single nucleotide variant.
Coding change: c.938T>C on transcript NM_005660.3 (MANE Select); coding-DNA position 938, T replaced by C.
Protein change: p.Ile313Thr; replaces isoleucine 313 with threonine.
Molecular consequence: missense variant. On other transcripts: intron variant (3).
Genome position (GRCh38, 1-based): chrX:48,904,971, A>G on the plus strand (T>C on the coding strand, the complement: SLC35A2 is on the minus strand). VCF-style: chrX-48904971-A-G. GRCh37 (hg19) VCF-style: chrX-48762248-A-G.
Other names: c.938T>C, p.Ile313Thr (NM_001042498.3); c.755T>C, p.Ile252Thr (NM_001282649.2); c.977T>C, p.Ile326Thr (NM_001282650.2); c.1022T>C, p.Ile341Thr (NM_001282651.2); c.427-79T>C (NM_001282647.2, NM_001032289.3); c.355-79T>C (NM_001282648.2); short protein forms I252T, I313T, I326T, I341T.
Identifiers: ClinVar variation 2093049 (VCV002093049.4), dbSNP rs1388450104, ClinGen allele CA412894742.